The following is an entry in ClinVar:

NM_000038.6(APC):c.3425dup (p.Asn1142fs)

Gene: APC (APC regulator of Wnt signaling pathway; plus strand). Cytogenetic location: 5q22.2.
Variant type: Duplication.
Coding change: c.3425dup on transcript NM_000038.6 (MANE Select); coding-DNA position 3425, one base duplicated (A; older notation c.3425dupA).
Protein change: p.Asn1142fs; shifts the reading frame from asparagine 1142.
Molecular consequence: frameshift variant. On other transcripts: non-coding transcript variant (2).
Genome position (GRCh38, 1-based): chr5:112,839,019, A duplicated; the last of 2 consecutive A bases (chr5:112,839,018-112,839,019); duplicating either gives the same sequence. VCF-style (leftmost placement, unchanged base first): chr5-112839017-C-CA. GRCh37 (hg19) VCF-style: chr5-112174714-C-CA.
Other names: c.3176dup, p.Asn1059fs (NM_001407455.1, NM_001407456.1, NM_001407457.1 and 1 more transcripts); c.3122dup, p.Asn1041fs (NM_001407458.1, NM_001407459.1, NM_001407460.1 and 1 more transcripts); c.3038dup, p.Asn1013fs (NM_001407467.1, NM_001407469.1); c.2576dup, p.Asn859fs (NM_001407470.1, NM_001354906.2); c.2273dup, p.Asn758fs (NM_001407471.1, NM_001407472.1); c.3425dup, p.Asn1142fs (NM_001127510.3, NM_001354895.2, NM_001407450.1); c.3371dup, p.Asn1124fs (NM_001127511.3); c.3479dup, p.Asn1160fs (NM_001354896.2, NM_001407447.1, NM_001407448.1 and 1 more transcripts); and 11 more; short protein forms N1013fs, N1016fs, N1041fs, N1051fs, N1059fs, N1083fs, N1101fs, N1114fs.
Identifiers: ClinVar variation 2583630 (VCV002583630.2), dbSNP rs2533496896, ClinGen allele CA2582341513.

ClinVar aggregate classification (germline): Pathogenic (1 of 4 stars; one submission).

Conditions:
Familial adenomatous polyposis 1 (FAP1). Also called: POLYPOSIS, ADENOMATOUS INTESTINAL; FAMILIAL ADENOMATOUS POLYPOSIS 1, ATTENUATED. Identifiers: MedGen C2713442, MONDO:0021056, OMIM 175100. Disease mechanism: loss of function.

Submission:

Myriad Genetics, Inc.
Classification: Pathogenic for Familial adenomatous polyposis 1. Last evaluated: 2023-05-08. Review status: criteria provided, single submitter. Criteria: Myriad Autosomal Dominant, Autosomal Recessive and X-Linked Classification Criteria (2023). Collection method: clinical testing. Allele origin: unknown.
Comment: This variant is considered pathogenic. This variant creates a frameshift predicted to result in premature protein truncation.